The following is an entry in ClinVar:

ClinVar aggregate classification (germline): Uncertain significance (1 of 4 stars; one submission).

Conditions:
Hereditary breast ovarian cancer syndrome. Also called: Hereditary breast and ovarian cancer syndrome; BRCA1- and BRCA2-Associated Hereditary Breast and Ovarian Cancer; Hereditary breast and/or ovarian cancer syndrome; Hereditary breast and ovarian cancer; Hereditary breast and ovarian cancer syndrome (HBOC); Breast and ovarian cancer. Identifiers: Orphanet 145, MedGen C0677776, MeSH D061325, MONDO:0003582. Disease mechanism: loss of function.

Allele frequency attached by ClinVar (database versions not stated): TOPMed 0.00001.

Submission:

Labcorp Genetics (formerly Invitae), Labcorp
Classification: Uncertain significance for Hereditary breast ovarian cancer syndrome. Last evaluated: 2019-03-27. Review status: criteria provided, single submitter. Criteria: Invitae Variant Classification Sherloc (09022015). Collection method: clinical testing. Allele origin: germline.
Comment: In summary, the available evidence is currently insufficient to determine the role of this variant in disease. Therefore, it has been classified as a Variant of Uncertain Significance. Algorithms developed to predict the effect of missense changes on protein structure and function output the following: SIFT: "Tolerated"; PolyPhen-2: "Benign"; Align-GVGD: "Class C0". The threonine amino acid residue is found in multiple mammalian species, suggesting that this missense change does not adversely affect protein function. These predictions have not been confirmed by published functional studies and their clinical significance is uncertain. This sequence change replaces serine with threonine at codon 1595 of the BRCA1 protein (p.Ser1595Thr). The serine residue is weakly conserved and there is a small physicochemical difference between serine and threonine. This variant is not present in population databases (ExAC no frequency). This variant has not been reported in the literature in individuals with BRCA1-related conditions.

NM_007294.4(BRCA1):c.4783T>A (p.Ser1595Thr)

Gene: BRCA1 (BRCA1 DNA repair associated; minus strand). Cytogenetic location: 17q21.31.
Variant type: single nucleotide variant.
Coding change: c.4783T>A on transcript NM_007294.4 (MANE Select); coding-DNA position 4783, T replaced by A.
Protein change: p.Ser1595Thr; replaces serine 1595 with threonine.
Molecular consequence: missense variant. On other transcripts: non-coding transcript variant (1).
Genome position (GRCh38, 1-based): chr17:43,071,131, A>T on the plus strand (T>A on the coding strand, the complement: BRCA1 is on the minus strand). VCF-style: chr17-43071131-A-T. GRCh37 (hg19) VCF-style: chr17-41223148-A-T.
Other names: c.4780T>A, p.Ser1594Thr (NM_001407621.1, NM_001407622.1, NM_001407623.1 and 17 more transcripts); c.4777T>A, p.Ser1593Thr (NM_001407627.1, NM_001407628.1, NM_001407629.1 and 14 more transcripts); c.4774T>A, p.Ser1592Thr (NM_001407644.1, NM_001407645.1); c.4771T>A, p.Ser1591Thr (NM_001407646.1); c.4768T>A, p.Ser1590Thr (NM_001407647.1); c.4726T>A, p.Ser1576Thr (NM_001407648.1); c.4723T>A, p.Ser1575Thr (NM_001407649.1); c.4783T>A, p.Ser1595Thr (NM_001407652.1, NM_001407684.1, NM_001407854.1 and 8 more transcripts); and 70 more; short protein forms S1595T, S491T, S1548T, S1616T, S1299T, S1506T, S1523T, S1551T.
Identifiers: ClinVar variation 851990 (VCV000851990.11), dbSNP rs1325644035, ClinGen allele CA10591951.
Genomic context (GRCh38, chr17:43,071,131, plus strand): 5'-CTGGACTCTGGGCAGATTCTGCAACTTTCAATTGGGGAACTTTCAATGCAGAGGTTGAAG[A>T]TGGTATGTTGCCAACACGAGCTGACTCTGGGGCTCTGTCTTCAGAAGGATCAGATTCAGG-3'
Protein context (NP_009225.1, residues 1585-1605): PESARVGNIP[Ser1595Thr]STSALKVPQL